The following is an entry in ClinVar:

NM_000138.5(FBN1):c.3383_3386dup (p.His1130fs)

Gene: FBN1 (fibrillin 1; minus strand). Cytogenetic location: 15q21.1.
Variant type: Duplication.
Coding change: c.3383_3386dup on transcript NM_000138.5 (MANE Select); coding-DNA positions 3383 to 3386, 4 bases duplicated (TTTG; older notation c.3383_3386dupTTTG).
Protein change: p.His1130fs; shifts the reading frame from histidine 1130.
Molecular consequence: frameshift variant.
Genome position (GRCh38, 1-based): chr15:48,487,389-48,487,392, CAAA duplicated on the plus strand (TTTG on the coding strand, the reverse complement: FBN1 is on the minus strand); duplicating any 4 consecutive bases within chr15:48,487,389-48,487,394 gives the same sequence; the c. name uses the placement nearest the transcript's 3' end. VCF-style (leftmost placement, unchanged base first): chr15-48487388-G-GCAAA. GRCh37 (hg19) VCF-style: chr15-48779585-G-GCAAA.
Other names: short protein forms H1130fs.
Identifiers: ClinVar variation 1353235 (VCV001353235.6), dbSNP rs2141293686, ClinGen allele CA2573150834.

ClinVar aggregate classification (germline): Pathogenic (1 of 4 stars; one submission).

Conditions:
Marfan syndrome (MFS). Also called: Marfan syndrome type 1; Marfan's syndrome; FBN1-Related Marfan Syndrome; MARFAN SYNDROME, TYPE I; Marfan syndrome, classic. Identifiers: Orphanet 284963, Orphanet 558, MedGen C0024796, MONDO:0007947, OMIM 154700.
Familial thoracic aortic aneurysm and aortic dissection (TAAD). Also called: Thoracic aortic aneurysms and dissections. Identifiers: Orphanet 91387, MedGen C4707243, MONDO:0019625.

Submission:

Labcorp Genetics (formerly Invitae), Labcorp
Classification: Pathogenic for Marfan syndrome; Familial thoracic aortic aneurysm and aortic dissection. Last evaluated: 2021-04-11. Review status: criteria provided, single submitter. Criteria: Invitae Variant Classification Sherloc (09022015). Collection method: clinical testing. Allele origin: germline.
Comment: For these reasons, this variant has been classified as Pathogenic. This variant has not been reported in the literature in individuals with FBN1-related conditions. This variant is not present in population databases (ExAC no frequency). This sequence change creates a premature translational stop signal (p.His1130Leufs*3) in the FBN1 gene. It is expected to result in an absent or disrupted protein product. Loss-of-function variants in FBN1 are known to be pathogenic (PMID: 17657824, 19293843).

Literature cited by the submitters: PubMed 17657824; PubMed 19293843.